The following is an entry in ClinVar:

ClinVar aggregate classification (germline): Uncertain significance. Review status: criteria provided, multiple submitters, no conflicts (2 of 4 stars). 6 submissions from 4 submitters: Uncertain significance (6). Last evaluated 2024-08-01.

Conditions:
Hyperinsulinism due to INSR deficiency. Also called: Hyperinsulinism due to glutamodehydrogenase deficiency. Identifiers: Orphanet 263458, MedGen C1864952, MONDO:0012381, OMIM 609968.
Rabson-Mendenhall syndrome. Also called: MENDENHALL SYNDROME; Pineal Hyperplasia, Insulin-Resistant Diabetes Mellitus, and Somatic Abnormalities; Pineal hyperplasia AND diabetes mellitus syndrome. Identifiers: Orphanet 769, MedGen C0271695, MONDO:0009874, OMIM 262190.
Insulin-resistant diabetes mellitus AND acanthosis nigricans. Also called: Insulin-resistance syndrome type A; INSULIN RECEPTOR, DEFECT IN, WITH INSULIN-RESISTANT DIABETES MELLITUS AND ACANTHOSIS NIGRICANS; IRAN, TYPE A; type A insulin resistance; DIABETES MELLITUS, INSULIN-RESISTANT, WITH ACANTHOSIS NIGRICANS, TYPE A. Identifiers: Orphanet 2297, MedGen C0342278, MONDO:0012520, OMIM 610549.
Leprechaunism syndrome. Also called: Donohue syndrome; LEPRECHAUNISM. Identifiers: Orphanet 508, MedGen C0265344, MONDO:0009517, OMIM 246200.
Inborn genetic diseases. Identifiers: MedGen C0950123, MeSH D030342.

Allele frequency attached by ClinVar (database versions not stated): gnomAD exomes below 0.00001; gnomAD 0.00001; TOPMed 0.00001.
gnomAD v4.1: 3 of 1,233,892 alleles (0.00024%); highest among the groups gnomAD compares: Admixed American, 0.0044%; no homozygotes.

Submissions (6):

Ambry Genetics
Classification: Uncertain significance for Inborn genetic diseases. Last evaluated: 2024-08-01. Review status: criteria provided, single submitter. Criteria: Ambry Variant Classification Scheme 2023. Collection method: clinical testing. Allele origin: germline.

Genetic Services Laboratory, University of Chicago
Classification: Uncertain significance. Last evaluated: 2018-11-29. Review status: criteria provided, single submitter. Criteria: ACMG Guidelines, 2015. Collection method: clinical testing. Allele origin: germline. Affected: no.

Illumina Laboratory Services, Illumina
Classification: Uncertain significance for Insulin-resistant diabetes mellitus AND acanthosis nigricans. Last evaluated: 2018-01-13. Review status: criteria provided, single submitter. Criteria: ICSL Variant Classification Criteria 13 December 2019. Collection method: clinical testing. Allele origin: germline.

Illumina Laboratory Services, Illumina
Classification: Uncertain significance for Leprechaunism syndrome. Last evaluated: 2018-01-13. Review status: criteria provided, single submitter. Criteria: ICSL Variant Classification Criteria 13 December 2019. Collection method: clinical testing. Allele origin: germline.

Illumina Laboratory Services, Illumina
Classification: Uncertain significance for Rabson-Mendenhall syndrome. Last evaluated: 2018-01-13. Review status: criteria provided, single submitter. Criteria: ICSL Variant Classification Criteria 13 December 2019. Collection method: clinical testing. Allele origin: germline.

Clinical Genomics, Uppaluri K&H Personalized Medicine Clinic
Classification: Uncertain significance for Hyperinsulinism due to INSR deficiency. Review status: criteria provided, single submitter. Criteria: K And H Uppaluri Personalized Medicine Clinic Variant Classification And Assertion Criteria Updated V 2. Collection method: research. Allele origin: unknown. Inheritance: Autosomal dominant inheritance.
Comment: Potent mutations in INSR gene can lead to insulin resistance, which presents as impaired glucose tolerance, early onset type 2 diabetes, post prandial hyperglycemia and increased insulin requirement in type 1 diabetes. These mutations in INSR gene can also predispose to coronary artery disease, metabolic syndrome, polycystic ovarian disease and non alcoholic fatty liver disease.However, the role of this particular variant rs886054690 with early onset diabetes mellitus is yet to be ascertained.

Literature cited by the submitters: PubMed 35000900 (cited by Clinical Genomics, Uppaluri K&H Personalized Medicine Clinic); PubMed 31989990 (cited by Clinical Genomics, Uppaluri K&H Personalized Medicine Clinic); PubMed 23705494 (cited by Clinical Genomics, Uppaluri K&H Personalized Medicine Clinic).

NM_000208.4(INSR):c.14G>A (p.Gly5Asp)

Gene: INSR (insulin receptor; minus strand). Cytogenetic location: 19p13.2.
Variant type: single nucleotide variant.
Coding change: c.14G>A on transcript NM_000208.4 (MANE Select); coding-DNA position 14, G replaced by A.
Protein change: p.Gly5Asp; replaces glycine 5 with aspartic acid.
Molecular consequence: missense variant.
Genome position (GRCh38, 1-based): chr19:7,293,878, C>T on the plus strand (G>A on the coding strand, the complement: INSR is on the minus strand). VCF-style: chr19-7293878-C-T. GRCh37 (hg19) VCF-style: chr19-7293889-C-T.
Other names: c.14G>A, p.Gly5Asp (NM_001079817.3); short protein forms G5D.
Identifiers: ClinVar variation 330481 (VCV000330481.10), dbSNP rs886054690, ClinGen allele CA10649260.